The following is an entry in ClinVar:

ClinVar aggregate classification (germline): Benign (0 of 4 stars; one submission).

Conditions:
RSRC1-related disorder. Also called: RSRC1-related condition.

Allele frequency attached by ClinVar (database versions not stated): ExAC 0.00035; gnomAD 0.00038; TOPMed 0.00039; gnomAD exomes 0.00053; ESP Exome Variant Server 0.00054.
gnomAD v4.1: 862 of 1,612,260 alleles (0.053%); highest among the groups gnomAD compares: Non-Finnish European, 0.047%; 5 homozygotes.

Submission:

PreventionGenetics, part of Exact Sciences
Classification: Benign for RSRC1-related condition. Last evaluated: 2019-08-08. Review status: no assertion criteria provided. Collection method: clinical testing. Allele origin: germline.
Comment: This variant is classified as benign based on ACMG/AMP sequence variant interpretation guidelines (Richards et al. 2015 PMID: 25741868, with internal and published modifications).

NM_001271838.2(RSRC1):c.283A>G (p.Arg95Gly)

Gene: RSRC1 (arginine and serine rich coiled-coil 1; plus strand). Cytogenetic location: 3q25.32.
Variant type: single nucleotide variant.
Coding change: c.283A>G on transcript NM_001271838.2 (MANE Select); coding-DNA position 283, A replaced by G.
Protein change: p.Arg95Gly; replaces arginine 95 with glycine.
Molecular consequence: missense variant.
Genome position (GRCh38, 1-based): chr3:158,123,954, A>G. VCF-style: chr3-158123954-A-G. GRCh37 (hg19) VCF-style: chr3-157841743-A-G.
Other names: c.283A>G, p.Arg95Gly (NM_001271834.2, NM_016625.4); short protein forms R95G.
Identifiers: ClinVar variation 3035452 (VCV003035452.2), dbSNP rs141739160, ClinGen allele CA2681544.